The following is an entry in ClinVar:

NM_000090.4(COL3A1):c.3208G>T (p.Ala1070Ser)

Gene: COL3A1 (collagen type III alpha 1 chain; plus strand). Cytogenetic location: 2q32.2.
Variant type: single nucleotide variant.
Coding change: c.3208G>T on transcript NM_000090.4 (MANE Select); coding-DNA position 3208, G replaced by T.
Protein change: p.Ala1070Ser; replaces alanine 1070 with serine.
Molecular consequence: missense variant.
Genome position (GRCh38, 1-based): chr2:189,006,943, G>T. VCF-style: chr2-189006943-G-T. GRCh37 (hg19) VCF-style: chr2-189871669-G-T.
Other names: short protein forms A1070S.
Identifiers: ClinVar variation 529320 (VCV000529320.12), dbSNP rs376738516, ClinGen allele CA075949.
Genomic context (GRCh38, chr2:189,006,943, plus strand): 5'-AACACATAAAACTAGTTCCGTGTATGTCTTCTCAATTGAATGTTTTCATCTTAGGGCCCT[G>T]CTGGCCCTGCTGGTGCTCCCGGTCCTGCTGGTTCCCGAGGTGCTCCTGTAAGTTTTGTCA-3'
Protein context (NP_000081.2, residues 1060-1080): KSGDRGESGP[Ala1070Ser]GPAGAPGPAG

ClinVar aggregate classification (germline): Uncertain significance. Review status: criteria provided, multiple submitters, no conflicts (2 of 4 stars). 6 submissions from 6 submitters: Uncertain significance (6). Last evaluated 2025-12-17.

Conditions:
Ehlers-Danlos syndrome, dominant type 4. Also called: Autosomal dominant Ehlers-Danlos syndrome, vascular type. Identifiers: MedGen C0268339, MONDO:0007524.
Polymicrogyria with or without vascular-type Ehlers-Danlos syndrome. Identifiers: Orphanet 636941, MedGen C5193040, MONDO:0032688, OMIM 618343.
Ehlers-Danlos syndrome, type 4 (EDSVASC). Also called: Ehlers-Danlos syndrome vascular type; Ehlers Danlos syndrome, ecchymotic type; Ehlers Danlos syndrome, arterial type; Ehlers Danlos syndrome, Sack-Barabas type; Ehlers-Danlos Syndrome Type IV. Identifiers: Orphanet 286, MedGen C0268338, MONDO:0017314, OMIM 130050.
Familial thoracic aortic aneurysm and aortic dissection (TAAD). Also called: Thoracic aortic aneurysms and dissections. Identifiers: Orphanet 91387, MedGen C4707243, MONDO:0019625.

Allele frequency attached by ClinVar (database versions not stated): TOPMed below 0.00001; ExAC 0.00001; gnomAD 0.00001; ESP Exome Variant Server 0.00008.
gnomAD v4.1: 12 of 1,612,968 alleles (0.00074%); highest among the groups gnomAD compares: African/African-American, 0.0013%; no homozygotes.

Submissions (6):

Labcorp Genetics (formerly Invitae), Labcorp
Classification: Uncertain significance for Ehlers-Danlos syndrome, type 4. Last evaluated: 2025-12-17. Review status: criteria provided, single submitter. Criteria: Invitae Variant Classification Sherloc (09022015). Collection method: clinical testing. Allele origin: germline.
Comment: This sequence change replaces alanine, which is neutral and non-polar, with serine, which is neutral and polar, at codon 1070 of the COL3A1 protein (p.Ala1070Ser). This variant is present in population databases (rs376738516, gnomAD 0.0009%). This missense change has been observed in individual(s) with clinical features of COL3A1-related conditions (internal data). ClinVar contains an entry for this variant (Variation ID: 529320). Invitae Evidence Modeling of protein sequence and biophysical properties (such as structural, functional, and spatial information, amino acid conservation, physicochemical variation, residue mobility, and thermodynamic stability) indicates that this missense variant is not expected to disrupt COL3A1 protein function with a negative predictive value of 95%. In summary, the available evidence is currently insufficient to determine the role of this variant in disease. Therefore, it has been classified as a Variant of Uncertain Significance.

Ambry Genetics
Classification: Uncertain significance for Familial thoracic aortic aneurysm and aortic dissection. Last evaluated: 2025-11-26. Review status: criteria provided, single submitter. Criteria: Ambry Variant Classification Scheme 2023. Collection method: clinical testing. Allele origin: germline.
Comment: The p.A1070S variant (also known as c.3208G>T), located in coding exon 44 of the COL3A1 gene, results from a G to T substitution at nucleotide position 3208. The alanine at codon 1070 is replaced by serine, an amino acid with similar properties. This amino acid position is well conserved in available vertebrate species. In addition, this alteration is predicted to be tolerated by in silico analysis. Based on the available evidence, the clinical significance of this variant remains unclear.

Color Diagnostics, LLC DBA Color Health
Classification: Uncertain significance for Familial thoracic aortic aneurysm and aortic dissection. Last evaluated: 2024-03-06. Review status: criteria provided, single submitter. Criteria: ACMG Guidelines, 2015. Collection method: clinical testing. Allele origin: germline.
Comment: This missense variant replaces alanine with serine at codon 1070 of the COL3A1 protein. Computational prediction suggests that this variant may not impact protein structure and function (internally defined REVEL score threshold <= 0.5, PMID: 27666373). To our knowledge, functional studies have not been reported for this variant. This variant has been observed in individual(s) with clinical features of COL3A1-related conditions (ClinVar SCV000756054.2). This variant has not been identified in the general population by the Genome Aggregation Database (gnomAD). The available evidence is insufficient to determine the role of this variant in disease conclusively. Therefore, this variant is classified as a Variant of Uncertain Significance.

All of Us Research Program, National Institutes of Health
Classification: Uncertain significance for Ehlers-Danlos syndrome, type 4. Last evaluated: 2023-12-13. Review status: criteria provided, single submitter. Criteria: ACMG Guidelines, 2015. Collection method: clinical testing. Allele origin: germline. Inheritance: Autosomal dominant inheritance. Observed: 3 variant alleles, 3 heterozygotes.
Comment: This missense variant replaces alanine with serine at codon 1070 of the COL3A1 protein. Computational prediction suggests that this variant may not impact protein structure and function (internally defined REVEL score threshold <= 0.5, PMID: 27666373). To our knowledge, functional studies have not been reported for this variant. This variant has been observed in individual(s) with clinical features of COL3A1-related conditions (ClinVar SCV000756054.2). This variant has not been identified in the general population by the Genome Aggregation Database (gnomAD). The available evidence is insufficient to determine the role of this variant in disease conclusively. Therefore, this variant is classified as a Variant of Uncertain Significance.

This study involves interpretation of variants in research participants for the purpose of population health screening. Participant phenotype was not available at the time of variant classification. Additional details can be found in publication PMID: 35346344, PMCID: PMC8962531

Fulgent Genetics
Classification: Uncertain significance for Ehlers-Danlos syndrome, type 4; Polymicrogyria with or without vascular-type Ehlers-Danlos syndrome. Last evaluated: 2022-03-15. Review status: criteria provided, single submitter. Criteria: ACMG Guidelines, 2015. Collection method: clinical testing. Allele origin: unknown.

Victorian Clinical Genetics Services, Murdoch Childrens Research Institute
Classification: Uncertain significance for Ehlers-Danlos syndrome, dominant type 4. Last evaluated: 2021-05-06. Review status: criteria provided, single submitter. Criteria: ACMG Guidelines, 2015. Collection method: clinical testing. Allele origin: germline. Affected: yes.
Comment: Based on the classification scheme VCGS_Germline_v1.3.4, this variant is classified as VUS-3C. Following criteria are met: 0103 - Dominant negative and loss of function are known mechanisms of disease in this gene and are associated with COL3A1-related disease. Missense variants affecting glycine residues within the collagen triple helical region exert a dominant negative effect, while null alleles result in haploinsufficiency which may confer delayed onset and a milder clinical course (PMID: 21637106; 29346445). (I) 0108 - This gene is associated with both recessive and dominant disease. Vascular Ehlers-Danlos syndrome (EDS), AD; Polymicrogyria with or without vascular EDS, AR (OMIM). (I) 0200 - Variant is predicted to result in a missense amino acid change from alanine to serine. (I) 0251 - This variant is heterozygous. (I) 0302 - Variant is present in gnomAD (v3) <0.001 for a dominant condition (2 heterozygotes, 0 homozygotes). (SP) 0309 - An alternative amino acid change at the same position has been observed in gnomAD (v3) (1 heterozygote, 0 homozygotes). (I) 0504 - Same amino acid change has been observed in placental mammals. (SB) 0600 - Variant is located in the annotated triple helical region but does not affect a glycine residue (Decipher). (I) 0705 - No comparable missense variants have previous evidence for pathogenicity. (I) 0809 - Previous evidence of pathogenicity for this variant is inconclusive. This variant has been reported as a variant of uncertain significance (ClinVar). (I) 0905 - No published segregation evidence has been identified for this variant. (I) 1007 - No published functional evidence has been identified for this variant. (I) 1208 - Inheritance information for this variant is not currently available in this individual. (I) Legend: (SP) - Supporting pathogenic, (I) - Information, (SB) - Supporting benign

Literature cited by the submitters: PubMed 21637106 (cited by Victorian Clinical Genetics Services, Murdoch Childrens Research Institute); PubMed 29346445 (cited by Victorian Clinical Genetics Services, Murdoch Childrens Research Institute).